The following is an entry in ClinVar:

ClinVar aggregate classification (germline): Uncertain significance. Review status: criteria provided, multiple submitters, no conflicts (2 of 4 stars). 2 submissions from 2 submitters: Uncertain significance (2). Last evaluated 2025-09-06.

Conditions:
Autosomal dominant limb-girdle muscular dystrophy type 1F (LGMDD2). Also called: Limb-girdle muscular dystrophy, type 1F; MUSCULAR DYSTROPHY, LIMB-GIRDLE, AUTOSOMAL DOMINANT 2. Identifiers: Orphanet 55595, MedGen C1842062, MONDO:0012034, OMIM 608423.

gnomAD v4.1: 8 of 1,614,222 alleles (0.0005%); highest among the groups gnomAD compares: Non-Finnish European, 0.00068%; no homozygotes.

Submissions (2):

Labcorp Genetics (formerly Invitae), Labcorp
Classification: Uncertain significance for Autosomal dominant limb-girdle muscular dystrophy type 1F. Last evaluated: 2025-09-06. Review status: criteria provided, single submitter. Criteria: Invitae Variant Classification Sherloc (09022015). Collection method: clinical testing. Allele origin: germline.
Comment: This sequence change replaces glycine, which is neutral and non-polar, with arginine, which is basic and polar, at codon 26 of the TNPO3 protein (p.Gly26Arg). This variant is not present in population databases (gnomAD no frequency). This variant has not been reported in the literature in individuals affected with TNPO3-related conditions. ClinVar contains an entry for this variant (Variation ID: 1365493). Invitae Evidence Modeling of protein sequence and biophysical properties (such as structural, functional, and spatial information, amino acid conservation, physicochemical variation, residue mobility, and thermodynamic stability) indicates that this missense variant is not expected to disrupt TNPO3 protein function with a negative predictive value of 80%. In summary, the available evidence is currently insufficient to determine the role of this variant in disease. Therefore, it has been classified as a Variant of Uncertain Significance.

Women's Health and Genetics/Laboratory Corporation of America, LabCorp
Classification: Uncertain significance. Last evaluated: 2025-06-06. Review status: criteria provided, single submitter. Criteria: LabCorp Variant Classification Summary - May 2015. Collection method: clinical testing. Allele origin: germline.
Comment: Variant summary: TNPO3 c.76G>A (p.Gly26Arg) results in a non-conservative amino acid change in the encoded protein sequence. Algorithms developed to predict the effect of missense changes on protein structure and function are either unavailable or do not agree on the potential impact of this missense change. The variant allele was found at a frequency of 5e-06 in 1607248 control chromosomes in the gnomAD database (v4.1 dataset). The available data on variant occurrences in the general population are insufficient to allow any conclusion about variant significance. To our knowledge, no occurrence of c.76G>A in individuals affected with Autosomal dominant limb-girdle muscular dystrophy type 1F and no experimental evidence demonstrating its impact on protein function have been reported. ClinVar contains an entry for this variant (Variation ID: 1365493). Based on the evidence outlined above, the variant was classified as uncertain significance.

NM_012470.4(TNPO3):c.76G>A (p.Gly26Arg)

Genes: TNPO3 (transportin 3; minus strand), LOC129999289 (ATAC-STARR-seq lymphoblastoid active region 26616; plus strand). Cytogenetic location: 7q32.1.
Variant type: single nucleotide variant.
Coding change: c.76G>A on transcript NM_012470.4 (MANE Select); coding-DNA position 76, G replaced by A.
Protein change: p.Gly26Arg; replaces glycine 26 with arginine.
Molecular consequence: missense variant. On other transcripts: non-coding transcript variant (18).
Genome position (GRCh38, 1-based): chr7:129,054,695, C>T on the plus strand (G>A on the coding strand, the complement: TNPO3 is on the minus strand). VCF-style: chr7-129054695-C-T. GRCh37 (hg19) VCF-style: chr7-128694749-C-T.
Other names: c.76G>A, p.Gly26Arg (NM_001191028.3, NM_001382216.1, NM_001382217.1 and 6 more transcripts); short protein forms G26R.
Identifiers: ClinVar variation 1365493 (VCV001365493.7), dbSNP rs2150586075, ClinGen allele CA369229450.
Genomic context (GRCh38, chr7:129,054,695, plus strand): 5'-TCTCTGGGCCCCTCACCGAACGCTGCAGCTCCCCAAGCCAAAAAGAGGCGCGCTCCTTTC[C>T]GCTGGGATCTGGGTCGTGGTAAAGCGCCTGCACTGCCTGGTACACGAGCTGCAATGTCGG-3'
Protein context (NP_036602.1, residues 16-36): QALYHDPDPS[Gly26Arg]KERASFWLGE